The following is an entry in ClinVar:

NM_001429.4(EP300):c.4536_4559dup (p.Leu1520_Glu1521insLeuGluGluSerIleLysGluLeu)

Gene: EP300 (E1A binding protein p300; plus strand). Cytogenetic location: 22q13.2.
Variant type: Duplication.
Coding change: c.4536_4559dup on transcript NM_001429.4 (MANE Select); coding-DNA positions 4536 to 4559, 24 bases duplicated (TCTGGAAGAAAGCATTAAGGAACT).
Protein change: p.Leu1520_Glu1521insLeuGluGluSerIleLysGluLeu.
Molecular consequence: inframe insertion.
Genome position (GRCh38, 1-based): chr22:41,172,582-41,172,605, TCTGGAAGAAAGCATTAAGGAACT duplicated; duplicating any 24 consecutive bases within chr22:41,172,581-41,172,605 gives the same sequence; the c. name uses the placement nearest the transcript's 3' end. VCF-style (leftmost placement, unchanged base first): chr22-41172580-G-GTTCTGGAAGAAAGCATTAAGGAAC. GRCh37 (hg19) VCF-style: chr22-41568584-G-GTTCTGGAAGAAAGCATTAAGGAAC.
Other names: c.4458_4481dup, p.Leu1494_Glu1495insLeuGluGluSerIleLysGluLeu (NM_001362843.2).
Identifiers: ClinVar variation 3369843 (VCV003369843.1).

ClinVar aggregate classification (germline): Uncertain significance (1 of 4 stars; one submission).

Submission:

GeneDx
Classification: Uncertain significance. Last evaluated: 2024-03-01. Review status: criteria provided, single submitter. Criteria: GeneDx Variant Classification Process June 2021. Collection method: clinical testing. Allele origin: germline. Affected: yes.
Comment: In-frame duplication of 8 amino acids in a non-repeat region; Not observed at significant frequency in large population cohorts (gnomAD); Has not been previously published as pathogenic or benign to our knowledge